The following is an entry in ClinVar:

ClinVar aggregate classification (germline): Pathogenic (1 of 4 stars; one submission).

Submission:

Labcorp Genetics (formerly Invitae), Labcorp
Classification: Pathogenic. Last evaluated: 2023-02-09. Review status: criteria provided, single submitter. Criteria: Invitae Variant Classification Sherloc (09022015). Collection method: clinical testing. Allele origin: germline.
Comment: For these reasons, this variant has been classified as Pathogenic. ClinVar contains an entry for this variant (Variation ID: 1453088). This variant has not been reported in the literature in individuals affected with FLNB-related conditions. This variant is not present in population databases (gnomAD no frequency). This sequence change creates a premature translational stop signal (p.Lys31Glnfs*60) in the FLNB gene. It is expected to result in an absent or disrupted protein product. Loss-of-function variants in FLNB are known to be pathogenic (PMID: 14991055).

Literature cited by the submitters: PubMed 14991055.

NM_001457.4(FLNB):c.89dup (p.Lys31fs)

Gene: FLNB (filamin B; plus strand). Cytogenetic location: 3p14.3.
Variant type: Duplication.
Coding change: c.89dup on transcript NM_001457.4 (MANE Select); coding-DNA position 89, one base duplicated (T; older notation c.89dupT).
Protein change: p.Lys31fs; shifts the reading frame from lysine 31.
Molecular consequence: frameshift variant.
Genome position (GRCh38, 1-based): chr3:58,008,653, T duplicated. VCF-style (leftmost placement, unchanged base first): chr3-58008652-C-CT. GRCh37 (hg19) VCF-style: chr3-57994379-C-CT.
Other names: c.89dup, p.Lys31fs (NM_001164317.2, NM_001164318.2, NM_001164319.2); short protein forms K31fs.
Identifiers: ClinVar variation 1453088 (VCV001453088.6), dbSNP rs2106654966, ClinGen allele CA2573137434.
Genomic context (GRCh38, chr3:58,008,652, plus strand): 5'-GAGGACGCGCCTTGGAAGAAGATCCAGCAGAACACGTTCACACGCTGGTGCAACGAGCAC[C>CT]TCAAGTGCGTGAACAAACGCATCGGCAACCTGCAGACCGACCTGAGCGACGGGCTGCGGC-3'